The following is an entry in ClinVar:

NM_001020658.2(PUM1):c.1856C>T (p.Pro619Leu)

Gene: PUM1 (pumilio RNA binding family member 1; minus strand). Cytogenetic location: 1p35.2.
Variant type: single nucleotide variant.
Coding change: c.1856C>T on transcript NM_001020658.2 (MANE Select); coding-DNA position 1856, C replaced by T.
Protein change: p.Pro619Leu; replaces proline 619 with leucine.
Molecular consequence: missense variant.
Genome position (GRCh38, 1-based): chr1:30,966,212, G>A on the plus strand (C>T on the coding strand, the complement: PUM1 is on the minus strand). VCF-style: chr1-30966212-G-A. GRCh37 (hg19) VCF-style: chr1-31439059-G-A.
Other names: c.1856C>T, p.Pro619Leu (NM_014676.3); short protein forms P619L.
Identifiers: ClinVar variation 3900860 (VCV003900860.1).

ClinVar aggregate classification (germline): Uncertain significance (1 of 4 stars; one submission).

gnomAD v4.1: 2 of 1,613,708 alleles (0.00012%); highest among the groups gnomAD compares: Non-Finnish European, 0.00017%; no homozygotes.

Submission:

GeneDx
Classification: Uncertain significance. Last evaluated: 2024-11-27. Review status: criteria provided, single submitter. Criteria: GeneDx Variant Classification Process June 2021. Collection method: clinical testing. Allele origin: germline. Affected: yes.
Comment: Not observed at significant frequency in large population cohorts (gnomAD); In silico analysis indicates that this missense variant does not alter protein structure/function; Has not been previously published as pathogenic or benign to our knowledge